The following is an entry in ClinVar:

NM_005585.5(SMAD6):c.635A>G (p.Asp212Gly)

Gene: SMAD6 (SMAD family member 6; plus strand). Cytogenetic location: 15q22.31.
Variant type: single nucleotide variant.
Coding change: c.635A>G on transcript NM_005585.5 (MANE Select); coding-DNA position 635, A replaced by G.
Protein change: p.Asp212Gly; replaces aspartic acid 212 with glycine.
Molecular consequence: missense variant. On other transcripts: non-coding transcript variant (1).
Genome position (GRCh38, 1-based): chr15:66,703,893, A>G. VCF-style: chr15-66703893-A-G. GRCh37 (hg19) VCF-style: chr15-66996231-A-G.
Other names: c.635A>G (NM_005585.4); short protein forms D212G.
Identifiers: ClinVar variation 2797780 (VCV002797780.5), dbSNP rs1023398534, ClinGen allele CA392949939.

ClinVar aggregate classification (germline): Uncertain significance. Review status: criteria provided, multiple submitters, no conflicts (2 of 4 stars). 2 submissions from 2 submitters: Uncertain significance (2). Last evaluated 2025-12-08.

Conditions:
Aortic valve disease 2 (AOVD2). Identifiers: MedGen C3542024, MONDO:0013902, OMIM 614823.
Inborn genetic diseases. Identifiers: MedGen C0950123, MeSH D030342.

Allele frequency attached by ClinVar (database versions not stated): gnomAD 0.00002; TOPMed 0.00002.

Submissions (2):

Ambry Genetics
Classification: Uncertain significance for Inborn genetic diseases. Last evaluated: 2025-12-08. Review status: criteria provided, single submitter. Criteria: Ambry Variant Classification Scheme 2023. Collection method: clinical testing. Allele origin: germline.

Labcorp Genetics (formerly Invitae), Labcorp
Classification: Uncertain significance for Aortic valve disease 2. Last evaluated: 2023-11-05. Review status: criteria provided, single submitter. Criteria: Invitae Variant Classification Sherloc (09022015). Collection method: clinical testing. Allele origin: germline.
Comment: This sequence change replaces aspartic acid, which is acidic and polar, with glycine, which is neutral and non-polar, at codon 212 of the SMAD6 protein (p.Asp212Gly). This variant is not present in population databases (gnomAD no frequency). This variant has not been reported in the literature in individuals affected with SMAD6-related conditions. Advanced modeling of protein sequence and biophysical properties (such as structural, functional, and spatial information, amino acid conservation, physicochemical variation, residue mobility, and thermodynamic stability) performed at Invitae indicates that this missense variant is not expected to disrupt SMAD6 protein function with a negative predictive value of 80%. In summary, the available evidence is currently insufficient to determine the role of this variant in disease. Therefore, it has been classified as a Variant of Uncertain Significance.